The following is an entry in ClinVar:

NM_002471.4(MYH6):c.799+10A>C

Gene: MYH6 (myosin heavy chain 6; minus strand). Cytogenetic location: 14q11.2.
Variant type: single nucleotide variant.
Coding change: c.799+10A>C on transcript NM_002471.4 (MANE Select); 10 bases into the intron after coding-DNA position 799, A replaced by C.
Molecular consequence: intron variant.
Genome position (GRCh38, 1-based): chr14:23,403,705, T>G on the plus strand (A>C on the coding strand, the complement: MYH6 is on the minus strand). VCF-style: chr14-23403705-T-G. GRCh37 (hg19) VCF-style: chr14-23872914-T-G.
Identifiers: ClinVar variation 518033 (VCV000518033.4), dbSNP rs774371819, ClinGen allele CA7116029.

ClinVar aggregate classification (germline): Likely benign. Review status: criteria provided, multiple submitters, no conflicts (2 of 4 stars). 3 submissions from 3 submitters: Likely benign (3). Last evaluated 2025-11-24.

Conditions:
Hypertrophic cardiomyopathy 14. Identifiers: MedGen C2750467, MONDO:0013197, OMIM 613251.

Allele frequency attached by ClinVar (database versions not stated): TOPMed 0.00001; gnomAD exomes 0.00002; ExAC 0.00003.

Submissions (3):

Labcorp Genetics (formerly Invitae), Labcorp
Classification: Likely benign for Hypertrophic cardiomyopathy 14. Last evaluated: 2025-11-24. Review status: criteria provided, single submitter. Criteria: Invitae Variant Classification Sherloc (09022015). Collection method: clinical testing. Allele origin: germline.

Blueprint Genetics
Classification: Likely benign. Last evaluated: 2022-10-04. Review status: criteria provided, single submitter. Criteria: ACMG Guidelines, 2015. Collection method: clinical testing. Allele origin: germline.

GeneDx
Classification: Likely benign. Last evaluated: 2017-06-20. Review status: criteria provided, single submitter. Criteria: GeneDx Variant Classification (06012015). Collection method: clinical testing. Allele origin: germline. Affected: yes.
Comment: This variant is considered likely benign or benign based on one or more of the following criteria: it is a conservative change, it occurs at a poorly conserved position in the protein, it is predicted to be benign by multiple in silico algorithms, and/or has population frequency not consistent with disease.